The following is an entry in ClinVar:

ClinVar aggregate classification (germline): Pathogenic (1 of 4 stars; one submission).

Submission:

Labcorp Genetics (formerly Invitae), Labcorp
Classification: Pathogenic. Last evaluated: 2019-03-14. Review status: criteria provided, single submitter. Criteria: Invitae Variant Classification Sherloc (09022015). Collection method: clinical testing. Allele origin: germline.
Comment: Loss-of-function variants in STAR are known to be pathogenic (PMID: 8948562). For these reasons, this variant has been classified as Pathogenic. This variant has not been reported in the literature in individuals with STAR-related conditions. This variant is not present in population databases (ExAC no frequency). This sequence change creates a premature translational stop signal (p.Lys97Argfs*12) in the STAR gene. It is expected to result in an absent or disrupted protein product.

Literature cited by the submitters: PubMed 8948562.

NM_000349.3(STAR):c.290del (p.Lys97fs)

Gene: STAR (steroidogenic acute regulatory protein; minus strand). Cytogenetic location: 8p11.23.
Variant type: Deletion.
Coding change: c.290del on transcript NM_000349.3 (MANE Select); coding-DNA position 290, one base deleted (A; older notation c.290delA).
Protein change: p.Lys97fs; shifts the reading frame from lysine 97.
Molecular consequence: frameshift variant.
Genome position (GRCh38, 1-based): chr8:38,148,216, T deleted on the plus strand (A on the coding strand, the reverse complement: STAR is on the minus strand); the first of 2 consecutive T bases (chr8:38,148,216-38,148,217); deleting either gives the same sequence. VCF-style (leftmost placement, unchanged base first): chr8-38148215-CT-C. GRCh37 (hg19) VCF-style: chr8-38005733-CT-C.
Other names: short protein forms K97fs.
Identifiers: ClinVar variation 860815 (VCV000860815.6), dbSNP rs1802608033, ClinGen allele CA916082983.